The following is an entry in ClinVar:

NM_000937.5(POLR2A):c.4233G>A (p.Leu1411=)

Genes: POLR2A (RNA polymerase II subunit A; plus strand), LOC126862482 (CDK7 strongly-dependent group 2 enhancer GRCh37_chr17:7414586-7415785; plus strand). Cytogenetic location: 17p13.1.
Variant type: single nucleotide variant.
Coding change: c.4233G>A on transcript NM_000937.5 (MANE Select); coding-DNA position 4233, G replaced by A.
Protein change: p.Leu1411=; no amino-acid change (leucine 1411 retained).
Molecular consequence: synonymous variant.
Genome position (GRCh38, 1-based): chr17:7,511,942, G>A. VCF-style: chr17-7511942-G-A. GRCh37 (hg19) VCF-style: chr17-7415261-G-A.
Identifiers: ClinVar variation 2647355 (VCV002647355.24), dbSNP rs773799468, ClinGen allele CA8350217.

ClinVar aggregate classification (germline): Likely benign (1 of 4 stars; one submission).

Allele frequency attached by ClinVar (database versions not stated): ExAC 0.00001; gnomAD 0.00001.

Submission:

CeGaT Center for Human Genetics Tuebingen
Classification: Likely benign. Last evaluated: 2023-04-01. Review status: criteria provided, single submitter. Criteria: CeGaT Center For Human Genetics Tuebingen Variant Classification Criteria Version 2. Collection method: clinical testing. Allele origin: germline. Affected: yes. Observed: 1 variant allele.
Comment: POLR2A: BP4, BP7